The following is an entry in ClinVar:

NM_000548.5(TSC2):c.1793dup (p.Tyr598Ter)

Gene: TSC2 (TSC complex subunit 2; plus strand). Cytogenetic location: 16p13.3.
Variant type: Duplication.
Coding change: c.1793dup on transcript NM_000548.5 (MANE Select); coding-DNA position 1793, one base duplicated (A; older notation c.1793dupA).
Protein change: p.Tyr598Ter; replaces tyrosine 598 with a stop codon.
Molecular consequence: nonsense. On other transcripts: non-coding transcript variant (5).
Genome position (GRCh38, 1-based): chr16:2,070,532, A duplicated. VCF-style (leftmost placement, unchanged base first): chr16-2070531-T-TA. GRCh37 (hg19) VCF-style: chr16-2120532-T-TA.
Other names: c.1781dup, p.Tyr594Ter (NM_001406673.1, NM_001406671.1); c.1646dup, p.Tyr549Ter (NM_001406675.1, NM_001406676.1, NM_001406679.1 and 1 more transcripts); c.1736dup, p.Tyr579Ter (NM_001406677.1); c.1682dup, p.Tyr561Ter (NM_001406678.1, NM_001318827.2, NM_001406670.1); c.1193dup, p.Tyr398Ter (NM_001406680.1, NM_001406682.1, NM_001406683.1 and 6 more transcripts); c.1331dup, p.Tyr444Ter (NM_001406681.1); c.1793dup, p.Tyr598Ter (NM_001077183.3, NM_001114382.3, NM_001363528.2 and 6 more transcripts); c.1826dup, p.Tyr609Ter (NM_001318832.2); and 3 more; short protein forms Y150*, Y398*, Y444*, Y549*, Y561*, Y579*, Y594*, Y598*.
Identifiers: ClinVar variation 4883870 (VCV004883870.2).
Genomic context (GRCh38, chr16:2,070,531, plus strand): 5'-CTGCCTGCAAGCCACGCCACGCGTGTGTATGAGATGCTGGTCAGCCACATTCAGCTCCAC[T>TA]ACAAGCACAGCTACACCCTGCCAATCGCGAGCAGCATCCGGCTGCAGGTATGGTGGCTGG-3'

ClinVar aggregate classification (germline): Likely pathogenic (1 of 4 stars; one submission).

Conditions:
Tuberous sclerosis 2 (TSC2). Identifiers: Orphanet 805, MedGen C1860707, MONDO:0013199, OMIM 613254.

Submission:

Dasa
Classification: Likely pathogenic for Tuberous sclerosis 2. Last evaluated: 2026-04-24. Review status: criteria provided, single submitter. Criteria: DASA Assertion Criteria. Collection method: clinical testing. Allele origin: germline.
Comment: NM_000548.5(TSC2):c.1793dup (p.Tyr598*) is a frameshift variant in TSC2 predicted to alter the reading frame and introduce a premature termination codon and is predicted to result in an absent or altered protein product. Loss of function is an established disease mechanism for TSC2 (PMID: 31525612; PMID: 10205261; PMID: 29932062). Also, this variant is rare in population databases. Based on the currently available evidence, this variant is classified as likely pathogenic.

Literature cited by the submitters: PubMed 31525612; PubMed 10205261; PubMed 29932062.